The following is an entry in ClinVar:

ClinVar aggregate classification (germline): Uncertain significance. Review status: criteria provided, multiple submitters, no conflicts (2 of 4 stars). 2 submissions from 2 submitters: Uncertain significance (2). Last evaluated 2025-10-09.

Allele frequency attached by ClinVar (database versions not stated): gnomAD exomes 0.00001; TOPMed 0.00002; gnomAD 0.00003.
gnomAD v4.1: 7 of 1,612,836 alleles (0.00043%); highest among the groups gnomAD compares: African/African-American, 0.0067%; no homozygotes.

Submissions (2):

Women's Health and Genetics/Laboratory Corporation of America, LabCorp
Classification: Uncertain significance. Last evaluated: 2025-10-09. Review status: criteria provided, single submitter. Criteria: LabCorp Variant Classification Summary - May 2015. Collection method: clinical testing. Allele origin: germline.
Comment: Variant summary: COL9A1 c.824G>C (p.Gly275Ala) results in a non-conservative amino acid change in the encoded protein sequence. Algorithms developed to predict the effect of missense changes on protein structure and function all suggest that this variant is likely to be disruptive. The variant allele was found at a frequency of 1.2e-05 in 247618 control chromosomes. The available data on variant occurrences in the general population are insufficient to allow any conclusion about variant significance. To our knowledge, no occurrence of c.824G>C in individuals affected with COL9A1-related conditions and no experimental evidence demonstrating its impact on protein function have been reported. ClinVar contains an entry for this variant (Variation ID: 1057494). Based on the evidence outlined above, the variant was classified as uncertain significance.

Labcorp Genetics (formerly Invitae), Labcorp
Classification: Uncertain significance. Last evaluated: 2025-03-11. Review status: criteria provided, single submitter. Criteria: Invitae Variant Classification Sherloc (09022015). Collection method: clinical testing. Allele origin: germline.
Comment: This sequence change replaces glycine, which is neutral and non-polar, with alanine, which is neutral and non-polar, at codon 275 of the COL9A1 protein (p.Gly275Ala). This variant is present in population databases (no rsID available, gnomAD 0.009%). This variant has not been reported in the literature in individuals affected with COL9A1-related conditions. ClinVar contains an entry for this variant (Variation ID: 1057494). Invitae Evidence Modeling of protein sequence and biophysical properties (such as structural, functional, and spatial information, amino acid conservation, physicochemical variation, residue mobility, and thermodynamic stability) indicates that this missense variant is expected to disrupt COL9A1 protein function with a positive predictive value of 95%. In summary, the available evidence is currently insufficient to determine the role of this variant in disease. Therefore, it has been classified as a Variant of Uncertain Significance.

NM_001851.6(COL9A1):c.824G>C (p.Gly275Ala)

Gene: COL9A1 (collagen type IX alpha 1 chain; minus strand). Cytogenetic location: 6q13.
Variant type: single nucleotide variant.
Coding change: c.824G>C on transcript NM_001851.6 (MANE Select); coding-DNA position 824, G replaced by C.
Protein change: p.Gly275Ala; replaces glycine 275 with alanine.
Molecular consequence: missense variant. On other transcripts: non-coding transcript variant (1).
Genome position (GRCh38, 1-based): chr6:70,281,442, C>G on the plus strand (G>C on the coding strand, the complement: COL9A1 is on the minus strand). VCF-style: chr6-70281442-C-G. GRCh37 (hg19) VCF-style: chr6-70991145-C-G.
Other names: c.95G>C, p.Gly32Ala (NM_001377289.1, NM_001377290.1, NM_078485.4); c.824G>C, p.Gly275Ala (NM_001377291.1); short protein forms G275A, G32A.
Identifiers: ClinVar variation 1057494 (VCV001057494.8), dbSNP rs891118219, ClinGen allele CA140819878.